The following is an entry in ClinVar:

ClinVar aggregate classification (germline): Uncertain significance. Review status: criteria provided, multiple submitters, no conflicts (2 of 4 stars). 2 submissions from 2 submitters: Uncertain significance (2). Last evaluated 2023-11-15.

Conditions:
Inborn genetic diseases. Identifiers: MedGen C0950123, MeSH D030342.

Allele frequency attached by ClinVar (database versions not stated): gnomAD 0.00001 and 0.00002; gnomAD exomes 0.00004 and 0.00006; ExAC 0.00006; 1000 Genomes Project 30x 0.00016; 1000 Genomes Project 0.00020.
gnomAD v4.1: 74 of 1,614,010 alleles (0.0046%); highest among the groups gnomAD compares: South Asian, 0.064%; 2 homozygotes.

Submissions (2):

Ambry Genetics
Classification: Uncertain significance for Inborn genetic diseases. Last evaluated: 2023-11-15. Review status: criteria provided, single submitter. Criteria: Ambry Variant Classification Scheme 2023. Collection method: clinical testing. Allele origin: germline.

Labcorp Genetics (formerly Invitae), Labcorp
Classification: Uncertain significance. Last evaluated: 2022-06-20. Review status: criteria provided, single submitter. Criteria: Invitae Variant Classification Sherloc (09022015). Collection method: clinical testing. Allele origin: germline.
Comment: This sequence change replaces proline, which is neutral and non-polar, with leucine, which is neutral and non-polar, at codon 101 of the SLC18A3 protein (p.Pro101Leu). This variant is present in population databases (rs538442914, gnomAD 0.05%). This variant has not been reported in the literature in individuals affected with SLC18A3-related conditions. Algorithms developed to predict the effect of missense changes on protein structure and function are either unavailable or do not agree on the potential impact of this missense change (SIFT: "Deleterious"; PolyPhen-2: "Benign"; Align-GVGD: "Class C0"). In summary, the available evidence is currently insufficient to determine the role of this variant in disease. Therefore, it has been classified as a Variant of Uncertain Significance.

NM_003055.3(SLC18A3):c.302C>T (p.Pro101Leu)

Genes: CHAT (choline O-acetyltransferase; plus strand), SLC18A3 (solute carrier family 18 member A3; plus strand). Cytogenetic location: 10q11.23.
Variant type: single nucleotide variant.
Coding change: c.302C>T on transcript NM_003055.3 (MANE Select); coding-DNA position 302, C replaced by T.
Protein change: p.Pro101Leu; replaces proline 101 with leucine.
Molecular consequence: missense variant. On other transcripts: intron variant (1).
Genome position (GRCh38, 1-based): chr10:49,611,042, C>T. VCF-style: chr10-49611042-C-T. GRCh37 (hg19) VCF-style: chr10-50819088-C-T.
Other names: c.-69+1843C>T (NM_020984.4); short protein forms P101L.
Identifiers: ClinVar variation 1505812 (VCV001505812.5), dbSNP rs538442914, ClinGen allele CA5496739.
Genomic context (GRCh38, chr10:49,611,042, plus strand): 5'-CCCTGCCGCTGCCCACTCCGGCCAATGCCAGCGCCTACACGGCCAACACCTCGGCGTCCC[C>T]GACAGCTGCGTGGCCAGCGGGCTCAGCCCTTCGGCCCCGCTACCCTACGGAGAGCGAAGA-3'
Protein context (NP_003046.2, residues 91-111): SAYTANTSAS[Pro101Leu]TAAWPAGSAL